The following is an entry in ClinVar:

NM_000070.3(CAPN3):c.980C>G (p.Ala327Gly)

Gene: CAPN3 (calpain 3; plus strand). Cytogenetic location: 15q15.1.
Variant type: single nucleotide variant.
Coding change: c.980C>G on transcript NM_000070.3 (MANE Select); coding-DNA position 980, C replaced by G.
Protein change: p.Ala327Gly; replaces alanine 327 with glycine.
Molecular consequence: missense variant.
Genome position (GRCh38, 1-based): chr15:42,392,673, C>G. VCF-style: chr15-42392673-C-G. GRCh37 (hg19) VCF-style: chr15-42684871-C-G.
Other names: c.980C>G, p.Ala327Gly (NM_024344.2); c.836C>G, p.Ala279Gly (NM_173087.2); short protein forms A327G, A279G.
Identifiers: ClinVar variation 315894 (VCV000315894.8), dbSNP rs754441267, ClinGen allele CA7511207.

ClinVar aggregate classification (germline): Uncertain significance. Review status: criteria provided, multiple submitters, no conflicts (2 of 4 stars). 2 submissions from 2 submitters: Uncertain significance (2). Last evaluated 2022-10-21.

Conditions:
Autosomal recessive limb-girdle muscular dystrophy type 2A (LGMDR1). Also called: LEYDEN-MOEBIUS MUSCULAR DYSTROPHY; MUSCULAR DYSTROPHY, PELVOFEMORAL; Limb-girdle muscular dystrophy, type 2A; Muscular dystrophy, limb-girdle, type 2A, Amish; Calpainopathy. Identifiers: Orphanet 267, MedGen C1869123, MONDO:0009675, OMIM 253600. Disease mechanism: loss of function.

Allele frequency attached by ClinVar (database versions not stated): gnomAD exomes 0.00001 and 0.00002; ExAC 0.00002; TOPMed 0.00002; gnomAD 0.00003 and 0.00004.
gnomAD v4.1: 17 of 1,613,912 alleles (0.0011%); highest among the groups gnomAD compares: African/African-American, 0.017%; no homozygotes.

Submissions (2):

Labcorp Genetics (formerly Invitae), Labcorp
Classification: Uncertain significance for Autosomal recessive limb-girdle muscular dystrophy type 2A. Last evaluated: 2022-10-21. Review status: criteria provided, single submitter. Criteria: Invitae Variant Classification Sherloc (09022015). Collection method: clinical testing. Allele origin: germline.
Comment: This sequence change replaces alanine, which is neutral and non-polar, with glycine, which is neutral and non-polar, at codon 327 of the CAPN3 protein (p.Ala327Gly). This variant is present in population databases (rs754441267, gnomAD 0.02%). This variant has not been reported in the literature in individuals affected with CAPN3-related conditions. ClinVar contains an entry for this variant (Variation ID: 315894). Algorithms developed to predict the effect of missense changes on protein structure and function (SIFT, PolyPhen-2, Align-GVGD) all suggest that this variant is likely to be tolerated. In summary, the available evidence is currently insufficient to determine the role of this variant in disease. Therefore, it has been classified as a Variant of Uncertain Significance.

Illumina Laboratory Services, Illumina
Classification: Uncertain significance for Limb-girdle muscular dystrophy, type 2A. Last evaluated: 2018-01-13. Review status: criteria provided, single submitter. Criteria: ICSL Variant Classification Criteria 13 December 2019. Collection method: clinical testing. Allele origin: germline.